The following is an entry in ClinVar:

ClinVar aggregate classification (germline): Uncertain significance (1 of 4 stars; one submission).

Conditions:
Alpha-N-acetylgalactosaminidase deficiency type 2. Also called: SCHINDLER DISEASE, TYPE II; ALPHA-N-ACETYLGALACTOSAMINIDASE DEFICIENCY, TYPE II; NAGA DEFICIENCY, TYPE II. Identifiers: Orphanet 3137, Orphanet 79280, MedGen C1836522, MONDO:0012222, OMIM 609242.

gnomAD v4.1: 7 of 1,614,132 alleles (0.00043%); highest among the groups gnomAD compares: Non-Finnish European, 0.00059%; no homozygotes.

Submission:

OLLIN Analises Genomicas, OLLIN
Classification: Uncertain significance for Alpha-N-acetylgalactosaminidase deficiency type 2. Last evaluated: 2026-08-06. Review status: criteria provided, single submitter. Criteria: ACMG Guidelines 2015 PMID 25741868. Collection method: clinical testing. Allele origin: germline.
Comment: This missense variant, located in exon 4 (of 9), has been observed in gnomAD with an allele frequency of 0.00043%, but has not been reported in ClinVar or identified in the literature. In silico analysis predicts that this variant has a deleterious effect. According to the currently available evidence, this variant has been classified as uncertain significance (PM2_P, PP3_M).

NM_000262.3(NAGA):c.423T>A (p.Asp141Glu)

Genes: NAGA (alpha-N-acetylgalactosaminidase; minus strand), LOC126863160 (CDK7 strongly-dependent group 2 enhancer GRCh37_chr22:42462918-42464117; plus strand). Cytogenetic location: 22q13.2.
Variant type: single nucleotide variant.
Coding change: c.423T>A on transcript NM_000262.3 (MANE Select); coding-DNA position 423, T replaced by A.
Protein change: p.Asp141Glu; replaces aspartic acid 141 with glutamic acid.
Molecular consequence: missense variant.
Genome position (GRCh38, 1-based): chr22:42,067,192, A>T on the plus strand (T>A on the coding strand, the complement: NAGA is on the minus strand). VCF-style: chr22-42067192-A-T. GRCh37 (hg19) VCF-style: chr22-42463196-A-T.
Other names: c.423T>A, p.Asp141Glu (NM_001362848.1, NM_001362850.1); short protein forms D141E.
Identifiers: ClinVar variation 5003094 (VCV005003094.1).